The following is an entry in ClinVar:

NM_001352514.2(HLCS):c.1918A>G (p.Met640Val)

Gene: HLCS (holocarboxylase synthetase; minus strand). Cytogenetic location: 21q22.13.
Variant type: single nucleotide variant.
Coding change: c.1918A>G on transcript NM_001352514.2 (MANE Select); coding-DNA position 1918, A replaced by G.
Protein change: p.Met640Val; replaces methionine 640 with valine.
Molecular consequence: missense variant. On other transcripts: non-coding transcript variant (2).
Genome position (GRCh38, 1-based): chr21:36,767,260, T>C on the plus strand (A>G on the coding strand, the complement: HLCS is on the minus strand). VCF-style: chr21-36767260-T-C. GRCh37 (hg19) VCF-style: chr21-38139561-T-C.
Other names: c.1477A>G, p.Met493Val (NM_000411.8, NM_001242784.3, NM_001242785.2 and 4 more transcripts); short protein forms M493V, M640V.
Identifiers: ClinVar variation 645566 (VCV000645566.7), dbSNP rs772156741, ClinGen allele CA10020428.

ClinVar aggregate classification (germline): Uncertain significance. Review status: criteria provided, single submitter (1 of 4 stars). 2 submissions from 2 submitters: Uncertain significance (1). 1 of the submissions does not count toward it. Last evaluated 2022-07-11.

Conditions:
Holocarboxylase synthetase deficiency. Also called: MULTIPLE CARBOXYLASE DEFICIENCY, EARLY ONSET. Identifiers: Orphanet 79242, MedGen C0268581, MONDO:0009666, OMIM 253270.

Allele frequency attached by ClinVar (database versions not stated): gnomAD exomes below 0.00001 and 0.00001; ExAC 0.00001; gnomAD 0.00001; TOPMed 0.00003.
gnomAD v4.1: 11 of 1,614,036 alleles (0.00068%); highest among the groups gnomAD compares: Admixed American, 0.0083%; no homozygotes.

Submissions (2):

Labcorp Genetics (formerly Invitae), Labcorp
Classification: Uncertain significance for Holocarboxylase synthetase deficiency. Last evaluated: 2022-07-11. Review status: criteria provided, single submitter. Criteria: Invitae Variant Classification Sherloc (09022015). Collection method: clinical testing. Allele origin: germline.
Comment: This sequence change replaces methionine, which is neutral and non-polar, with valine, which is neutral and non-polar, at codon 493 of the HLCS protein (p.Met493Val). This variant is present in population databases (rs772156741, gnomAD 0.006%). This variant has not been reported in the literature in individuals affected with HLCS-related conditions. ClinVar contains an entry for this variant (Variation ID: 645566). Advanced modeling of protein sequence and biophysical properties (such as structural, functional, and spatial information, amino acid conservation, physicochemical variation, residue mobility, and thermodynamic stability) performed at Invitae indicates that this missense variant is not expected to disrupt HLCS protein function. Algorithms developed to predict the effect of sequence changes on RNA splicing suggest that this variant may create or strengthen a splice site. In summary, the available evidence is currently insufficient to determine the role of this variant in disease. Therefore, it has been classified as a Variant of Uncertain Significance.

Natera, Inc.
Classification: Uncertain significance for Holocarboxylase synthetase deficiency. Last evaluated: 2020-09-16. Review status: no assertion criteria provided. Collection method: clinical testing. Allele origin: germline. Not counted in ClinVar's aggregate classification.